The following is an entry in ClinVar:

NM_001369.3(DNAH5):c.4751_4754delinsGCATTTTG (p.Asn1584fs)

Genes: DNAH5 (dynein axonemal heavy chain 5; minus strand), DNAH5-AS1 (DNAH5 antisense RNA 1; plus strand). Cytogenetic location: 5p15.2.
Variant type: Indel.
Coding change: c.4751_4754delinsGCATTTTG on transcript NM_001369.3 (MANE Select); coding-DNA positions 4751 to 4754, ACAT replaced by GCATTTTG.
Protein change: p.Asn1584fs; shifts the reading frame from asparagine 1584.
Molecular consequence: frameshift variant.
Genome position (GRCh38, 1-based): chr5:13,862,590-13,862,593, ATGT replaced by CAAAATGC on the plus strand (ACAT replaced by GCATTTTG on the coding strand, the reverse complement: DNAH5 is on the minus strand). VCF-style: chr5-13862590-ATGT-CAAAATGC. GRCh37 (hg19) VCF-style: chr5-13862699-ATGT-CAAAATGC.
Other names: short protein forms N1584fs.
Identifiers: ClinVar variation 5010377 (VCV005010377.1).

ClinVar aggregate classification (germline): Pathogenic (1 of 4 stars; one submission).

Conditions:
Primary ciliary dyskinesia 3. Identifiers: Orphanet 244, MedGen C1837618, MONDO:0012085, OMIM 608644.

Submission:

Myriad Genetics, Inc.
Classification: Pathogenic for Primary ciliary dyskinesia 3. Last evaluated: 2024-05-14. Review status: criteria provided, single submitter. Criteria: Myriad Autosomal Dominant, Autosomal Recessive and X-Linked Classification Criteria (2023). Collection method: clinical testing. Allele origin: unknown.
Comment: NM_001369.2(DNAH5):c.4751_4754del4ins8(N1584Sfs*75) is expected to be pathogenic in the context of primary ciliary dyskinesia, DNAH5-related. This variant is predicted to lead to an abnormal or absent protein product due to the creation of a premature termination codon in DNAH5, a gene where loss-of-function variants are known to be pathogenic. Please note: this variant was assessed in the context of healthy population screening.